The following is an entry in ClinVar:

ClinVar aggregate classification (germline): Pathogenic (1 of 4 stars; one submission).

Submission:

GeneDx
Classification: Pathogenic. Last evaluated: 2026-02-10. Review status: criteria provided, single submitter. Criteria: GeneDx Variant Classification Process June 2021. Collection method: clinical testing. Allele origin: germline.
Comment: Not observed at significant frequency in large population cohorts (gnomAD); Nonsense variant predicted to result in protein truncation or nonsense mediated decay in a gene for which loss of function is a known mechanism of disease; This variant is associated with the following publications: (PMID: 40966122)

NM_012141.3(INTS6):c.553C>T (p.Gln185Ter)

Gene: INTS6 (integrator complex subunit 6; minus strand). Cytogenetic location: 13q14.3.
Variant type: single nucleotide variant.
Coding change: c.553C>T on transcript NM_012141.3 (MANE Select); coding-DNA position 553, C replaced by T.
Protein change: p.Gln185Ter; replaces glutamine 185 with a stop codon.
Molecular consequence: nonsense.
Genome position (GRCh38, 1-based): chr13:51,395,360, G>A on the plus strand (C>T on the coding strand, the complement: INTS6 is on the minus strand). VCF-style: chr13-51395360-G-A. GRCh37 (hg19) VCF-style: chr13-51969496-G-A.
Other names: c.514C>T, p.Gln172Ter (NM_001039937.2); c.19C>T, p.Gln7Ter (NM_001306091.2); short protein forms Q172*, Q185*, Q7*.
Identifiers: ClinVar variation 4529722 (VCV004529722.2).